The following is an entry in ClinVar:

ClinVar aggregate classification (germline): Benign/Likely benign. Review status: criteria provided, multiple submitters, no conflicts (2 of 4 stars). 5 submissions from 5 submitters: Benign (1); Likely benign (4). Last evaluated 2026-08-01.

Conditions:
Glycogen storage disease, type II (IOPD). Also called: POMPE DISEASE, INFANTILE-ONSET; GLYCOGEN STORAGE DISEASE II, INFANTILE-ONSET; ACID ALPHA-GLUCOSIDASE DEFICIENCY, INFANTILE-ONSET; GAA DEFICIENCY, INFANTILE-ONSET; ACID MALTASE DEFICIENCY, INFANTILE-ONSET; GLYCOGENOSIS, GENERALIZED, CARDIAC FORM. Identifiers: Orphanet 365, MedGen C0017921, MONDO:0009290, OMIM 232300.
Cardiovascular phenotype. Identifiers: MedGen CN230736.

Allele frequency attached by ClinVar (database versions not stated): gnomAD below 0.00001 and 0.00015; TOPMed 0.00002; gnomAD exomes 0.00025 and 0.00051; ExAC 0.00064; 1000 Genomes Project 0.00100; 1000 Genomes Project 30x 0.00109.
gnomAD v4.1: 397 of 1,613,932 alleles (0.025%); highest among the groups gnomAD compares: South Asian, 0.39%; 6 homozygotes.

Submissions (5):

CeGaT Center for Human Genetics Tuebingen
Classification: Likely benign. Last evaluated: 2026-08-01. Review status: criteria provided, single submitter. Criteria: CeGaT Center For Human Genetics Tuebingen Variant Classification Criteria Version 2. Collection method: clinical testing. Allele origin: germline. Affected: yes. Observed: 1 variant allele.
Comment: GAA: BP4, BP7

Labcorp Genetics (formerly Invitae), Labcorp
Classification: Benign for Glycogen storage disease, type II. Last evaluated: 2026-01-26. Review status: criteria provided, single submitter. Criteria: Invitae Variant Classification Sherloc (09022015). Collection method: clinical testing. Allele origin: germline.

Blueprint Genetics
Classification: Likely benign. Last evaluated: 2024-11-19. Review status: criteria provided, single submitter. Criteria: ACMG Guidelines, 2015. Collection method: clinical testing. Allele origin: germline.

Ambry Genetics
Classification: Likely benign for Cardiovascular phenotype. Last evaluated: 2020-11-15. Review status: criteria provided, single submitter. Criteria: Ambry Variant Classification Scheme 2023. Collection method: clinical testing. Allele origin: germline.

GeneDx
Classification: Likely benign. Last evaluated: 2018-10-24. Review status: criteria provided, single submitter. Criteria: GeneDx Variant Classification Process June 2021. Collection method: clinical testing. Allele origin: germline. Affected: yes.

NM_000152.5(GAA):c.1446C>T (p.Pro482=)

Gene: GAA (alpha glucosidase; plus strand). Cytogenetic location: 17q25.3.
Variant type: single nucleotide variant.
Coding change: c.1446C>T on transcript NM_000152.5 (MANE Select); coding-DNA position 1446, C replaced by T.
Protein change: p.Pro482=; no amino-acid change (proline 482 retained).
Molecular consequence: synonymous variant.
Genome position (GRCh38, 1-based): chr17:80,110,735, C>T. VCF-style: chr17-80110735-C-T. GRCh37 (hg19) VCF-style: chr17-78084534-C-T.
Other names: c.1446C>T (LRG_673t1); c.1446C>T, p.Pro482= (NM_001079803.3, NM_001079804.3).
Identifiers: ClinVar variation 512457 (VCV000512457.19), dbSNP rs529513250, ClinGen allele CA8815348.